The following is an entry in ClinVar:

ClinVar aggregate classification (germline): Likely benign (1 of 4 stars; one submission).

Allele frequency attached by ClinVar (database versions not stated): gnomAD exomes 0.00020; gnomAD 0.00026; ExAC 0.00036.
gnomAD v4.1: 334 of 1,611,844 alleles (0.021%); highest among the groups gnomAD compares: Non-Finnish European, 0.013%; no homozygotes.

Submission:

CeGaT Center for Human Genetics Tuebingen
Classification: Likely benign. Last evaluated: 2022-11-01. Review status: criteria provided, single submitter. Criteria: CeGaT Center For Human Genetics Tuebingen Variant Classification Criteria Version 2. Collection method: clinical testing. Allele origin: germline. Affected: yes. Observed: 1 variant allele.
Comment: NUBP2: BP4, BP7

NM_012225.4(NUBP2):c.750C>T (p.Pro250=)

Gene: NUBP2 (NUBP iron-sulfur cluster assembly factor 2, cytosolic; plus strand). Cytogenetic location: 16p13.3.
Variant type: single nucleotide variant.
Coding change: c.750C>T on transcript NM_012225.4 (MANE Select); coding-DNA position 750, C replaced by T.
Protein change: p.Pro250=; no amino-acid change (proline 250 retained).
Molecular consequence: synonymous variant. On other transcripts: missense variant (1), non-coding transcript variant (1).
Genome position (GRCh38, 1-based): chr16:1,788,648, C>T. VCF-style: chr16-1788648-C-T. GRCh37 (hg19) VCF-style: chr16-1838649-C-T.
Other names: c.570C>T, p.Pro190= (NM_001284501.2); c.304C>T, p.Arg102Cys (NM_001284502.2); short protein forms R102C.
Identifiers: ClinVar variation 2645948 (VCV002645948.24), dbSNP rs756912126, ClinGen allele CA7820128.
Genomic context (GRCh38, chr16:1,788,648, plus strand): 5'-TGCGCTCATGAGGACCCTGGAGGAGGGCCACGACTTCATCCAGGAGTTCCCTGGGAGCCC[C>T]GCCTTCGCTGCACTCACCTCCATAGCCCAGAAGATTCTGGACGCGACGCCCGCGTGCCTC-3'
Protein context (NP_036357.1, residues 240-260): HDFIQEFPGS[Pro250=]AFAALTSIAQ